The following is an entry in ClinVar:

ClinVar aggregate classification (germline): Likely pathogenic (1 of 4 stars; one submission).

Submission:

Labcorp Genetics (formerly Invitae), Labcorp
Classification: Likely pathogenic. Last evaluated: 2022-07-18. Review status: criteria provided, single submitter. Criteria: Invitae Variant Classification Sherloc (09022015). Collection method: clinical testing. Allele origin: germline.
Comment: In summary, the currently available evidence indicates that the variant is pathogenic, but additional data are needed to prove that conclusively. Therefore, this variant has been classified as Likely Pathogenic. This sequence change affects an acceptor splice site in intron 9 of the COL2A1 gene. It is expected to disrupt RNA splicing. Variants that disrupt the donor or acceptor splice site typically lead to a loss of protein function (PMID: 16199547), and loss-of-function variants in COL2A1 are known to be pathogenic (PMID: 20179744). This variant is not present in population databases (gnomAD no frequency). This variant has not been reported in the literature in individuals affected with COL2A1-related conditions. ClinVar contains an entry for this variant (Variation ID: 1508082). Algorithms developed to predict the effect of sequence changes on RNA splicing suggest that this variant may disrupt the consensus splice site.

Literature cited by the submitters: PubMed 16199547; PubMed 20179744.

NM_001844.5(COL2A1):c.655-2A>C

Gene: COL2A1 (collagen type II alpha 1 chain; minus strand). Cytogenetic location: 12q13.11.
Variant type: single nucleotide variant.
Coding change: c.655-2A>C on transcript NM_001844.5 (MANE Select); the canonical splice acceptor site of the intron before coding-DNA position 655, A replaced by C.
Molecular consequence: splice acceptor variant.
Genome position (GRCh38, 1-based): chr12:47,995,765, T>G on the plus strand (A>C on the coding strand, the complement: COL2A1 is on the minus strand). VCF-style: chr12-47995765-T-G. GRCh37 (hg19) VCF-style: chr12-48389548-T-G.
Other names: c.448-2A>C (NM_033150.3).
Identifiers: ClinVar variation 1508082 (VCV001508082.6), dbSNP rs2136618395, ClinGen allele CA384523811.